The following is an entry in ClinVar:

NM_006343.3(MERTK):c.437A>G (p.Gln146Arg)

Gene: MERTK (MER proto-oncogene, tyrosine kinase; plus strand). Cytogenetic location: 2q13.
Variant type: single nucleotide variant.
Coding change: c.437A>G on transcript NM_006343.3 (MANE Select); coding-DNA position 437, A replaced by G.
Protein change: p.Gln146Arg; replaces glutamine 146 with arginine.
Molecular consequence: missense variant.
Genome position (GRCh38, 1-based): chr2:111,929,495, A>G. VCF-style: chr2-111929495-A-G. GRCh37 (hg19) VCF-style: chr2-112687072-A-G.
Other names: short protein forms Q146R.
Identifiers: ClinVar variation 2003136 (VCV002003136.4), dbSNP rs2466747318, ClinGen allele CA348226794.

ClinVar aggregate classification (germline): Uncertain significance (1 of 4 stars; one submission).

Submission:

Labcorp Genetics (formerly Invitae), Labcorp
Classification: Uncertain significance. Last evaluated: 2022-06-07. Review status: criteria provided, single submitter. Criteria: Invitae Variant Classification Sherloc (09022015). Collection method: clinical testing. Allele origin: germline.
Comment: This sequence change replaces glutamine, which is neutral and polar, with arginine, which is basic and polar, at codon 146 of the MERTK protein (p.Gln146Arg). This variant is not present in population databases (gnomAD no frequency). This variant has not been reported in the literature in individuals affected with MERTK-related conditions. Algorithms developed to predict the effect of missense changes on protein structure and function are either unavailable or do not agree on the potential impact of this missense change (SIFT: "Deleterious"; PolyPhen-2: "Benign"; Align-GVGD: "Class C0"). In summary, the available evidence is currently insufficient to determine the role of this variant in disease. Therefore, it has been classified as a Variant of Uncertain Significance.